The following is an entry in ClinVar:

ClinVar aggregate classification (germline): Uncertain significance (1 of 4 stars; one submission).

Conditions:
Hypertrophic cardiomyopathy 19. Also called: Familial hypertrophic cardiomyopathy 19. Identifiers: MedGen CN077603, MONDO:0013476.

Allele frequency attached by ClinVar (database versions not stated): gnomAD exomes below 0.00001; ExAC 0.00001; TOPMed 0.00003.

Submission:

Labcorp Genetics (formerly Invitae), Labcorp
Classification: Uncertain significance for Hypertrophic cardiomyopathy 19. Last evaluated: 2024-08-28. Review status: criteria provided, single submitter. Criteria: Invitae Variant Classification Sherloc (09022015). Collection method: clinical testing. Allele origin: germline.
Comment: This sequence change replaces phenylalanine, which is neutral and non-polar, with serine, which is neutral and polar, at codon 46 of the CALR3 protein (p.Phe46Ser). This variant is present in population databases (rs780590548, gnomAD 0.0009%). This variant has not been reported in the literature in individuals affected with CALR3-related conditions. Invitae Evidence Modeling of protein sequence and biophysical properties (such as structural, functional, and spatial information, amino acid conservation, physicochemical variation, residue mobility, and thermodynamic stability) indicates that this missense variant is not expected to disrupt CALR3 protein function with a negative predictive value of 80%. In summary, the available evidence is currently insufficient to determine the role of this variant in disease. Therefore, it has been classified as a Variant of Uncertain Significance.

NM_145046.5(CALR3):c.137T>C (p.Phe46Ser)

Gene: CALR3 (calreticulin 3; minus strand). Cytogenetic location: 19p13.11.
Variant type: single nucleotide variant.
Coding change: c.137T>C on transcript NM_145046.5 (MANE Select); coding-DNA position 137, T replaced by C.
Protein change: p.Phe46Ser; replaces phenylalanine 46 with serine.
Molecular consequence: missense variant.
Genome position (GRCh38, 1-based): chr19:16,495,807, A>G on the plus strand (T>C on the coding strand, the complement: CALR3 is on the minus strand). VCF-style: chr19-16495807-A-G. GRCh37 (hg19) VCF-style: chr19-16606618-A-G.
Other names: short protein forms F46S.
Identifiers: ClinVar variation 3630193 (VCV003630193.2), dbSNP rs780590548.